The following is an entry in ClinVar:

NM_001395413.1(POR):c.793C>T (p.Arg265Trp)

Gene: POR (cytochrome p450 oxidoreductase; plus strand). Cytogenetic location: 7q11.23.
Variant type: single nucleotide variant.
Coding change: c.793C>T on transcript NM_001395413.1 (MANE Select); coding-DNA position 793, C replaced by T.
Protein change: p.Arg265Trp; replaces arginine 265 with tryptophan.
Molecular consequence: missense variant.
Genome position (GRCh38, 1-based): chr7:75,982,294, C>T. VCF-style: chr7-75982294-C-T. GRCh37 (hg19) VCF-style: chr7-75611612-C-T.
Other names: c.793C>T, p.Arg265Trp (NM_001367562.3, NM_001382657.2, NM_001382658.3 and 2 more transcripts); c.847C>T, p.Arg283Trp (NM_001382655.3); c.802C>T (NM_000941.2); short protein forms R265W, R283W.
Identifiers: ClinVar variation 1417931 (VCV001417931.6), dbSNP rs200471958, ClinGen allele CA4303831.

ClinVar aggregate classification (germline): Uncertain significance. Review status: criteria provided, multiple submitters, no conflicts (2 of 4 stars). 4 submissions from 4 submitters: Uncertain significance (4). Last evaluated 2025-01-29.

Conditions:
Inborn genetic diseases. Identifiers: MedGen C0950123, MeSH D030342.
Congenital adrenal hyperplasia due to cytochrome P450 oxidoreductase deficiency. Also called: DISORDERED STEROIDOGENESIS DUE TO POR DEFICIENCY. Identifiers: Orphanet 95699, MedGen C1860042, MONDO:0013310, OMIM 613571.

Allele frequency attached by ClinVar (database versions not stated): gnomAD exomes 0.00015; ExAC 0.00018; ESP Exome Variant Server 0.00024.
gnomAD v4.1: 222 of 1,612,388 alleles (0.014%); highest among the groups gnomAD compares: South Asian, 0.034%; no homozygotes.

Submissions (4):

GeneDx
Classification: Uncertain significance. Last evaluated: 2025-01-29. Review status: criteria provided, single submitter. Criteria: GeneDx Variant Classification Process June 2021. Collection method: clinical testing. Allele origin: germline. Affected: yes.
Comment: In silico analysis supports that this missense variant has a deleterious effect on protein structure/function; Cell-free functional studies suggest a damaging effect on protein stability and enzymatic activity of drug-metabolizing cytochrome P450s, however, additional studies are needed as a positive control was not provided and the effect on steroid and sterol synthesis was not tested (PMID: 38136599); This variant is associated with the following publications: (PMID: 38136599)

Blueprint Genetics
Classification: Uncertain significance. Last evaluated: 2024-09-07. Review status: criteria provided, single submitter. Criteria: ACMG Guidelines, 2015. Collection method: clinical testing. Allele origin: germline.

Labcorp Genetics (formerly Invitae), Labcorp
Classification: Uncertain significance for Congenital adrenal hyperplasia due to cytochrome P450 oxidoreductase deficiency. Last evaluated: 2022-05-06. Review status: criteria provided, single submitter. Criteria: Invitae Variant Classification Sherloc (09022015). Collection method: clinical testing. Allele origin: germline.
Comment: This sequence change replaces arginine, which is basic and polar, with tryptophan, which is neutral and slightly polar, at codon 268 of the POR protein (p.Arg268Trp). This variant is present in population databases (rs200471958, gnomAD 0.03%). This variant has not been reported in the literature in individuals affected with POR-related conditions. Algorithms developed to predict the effect of missense changes on protein structure and function (SIFT, PolyPhen-2, Align-GVGD) all suggest that this variant is likely to be disruptive. In summary, the available evidence is currently insufficient to determine the role of this variant in disease. Therefore, it has been classified as a Variant of Uncertain Significance.

Ambry Genetics
Classification: Uncertain significance for Inborn genetic diseases. Last evaluated: 2021-11-12. Review status: criteria provided, single submitter. Criteria: Ambry Variant Classification Scheme 2023. Collection method: clinical testing. Allele origin: germline.